The following is an entry in ClinVar:

NM_000051.4(ATM):c.3994-3C>T

Gene: ATM (ATM serine/threonine kinase; plus strand). Cytogenetic location: 11q22.3.
Variant type: single nucleotide variant.
Coding change: c.3994-3C>T on transcript NM_000051.4 (MANE Select); 3 bases into the intron before coding-DNA position 3994, C replaced by T.
Molecular consequence: intron variant.
Genome position (GRCh38, 1-based): chr11:108,287,597, C>T. VCF-style: chr11-108287597-C-T. GRCh37 (hg19) VCF-style: chr11-108158324-C-T.
Other names: c.3994-3C>T (NM_001351834.2).
Identifiers: ClinVar variation 3715594 (VCV003715594.2).
Genomic context (GRCh38, chr11:108,287,597, plus strand): 5'-TGAGCTGTCTTGACGTTCACAGATATAAAATATTAAATATATTTTAATTTTGTGCCCTTG[C>T]AGATTGATCACTTATTCATTAGTAATTTACCAGAGATTGTGGTGGAGTTATTGATGACGT-3'

ClinVar aggregate classification (germline): Uncertain significance (1 of 4 stars; one submission).

Conditions:
Ataxia-telangiectasia syndrome (AT). Also called: ATAXIA-TELANGIECTASIA, COMPLEMENTATION GROUP A; ATAXIA-TELANGIECTASIA, FRESNO VARIANT; Ataxia-telangiectasia; Ataxia-telangiectasia, complementation group E; Ataxia telangiectasia (A-T); LOUIS-BAR SYNDROME. Identifiers: Orphanet 100, MedGen C0004135, MONDO:0008840, OMIM 208900.

Submission:

Labcorp Genetics (formerly Invitae), Labcorp
Classification: Uncertain significance for Ataxia-telangiectasia syndrome. Last evaluated: 2024-04-16. Review status: criteria provided, single submitter. Criteria: Invitae Variant Classification Sherloc (09022015). Collection method: clinical testing. Allele origin: germline.
Comment: This sequence change falls in intron 26 of the ATM gene. It does not directly change the encoded amino acid sequence of the ATM protein. It affects a nucleotide within the consensus splice site. This variant is not present in population databases (gnomAD no frequency). This variant has not been reported in the literature in individuals affected with ATM-related conditions. Variants that disrupt the consensus splice site are a relatively common cause of aberrant splicing (PMID: 17576681, 9536098). Algorithms developed to predict the effect of sequence changes on RNA splicing suggest that this variant is not likely to affect RNA splicing. In summary, the available evidence is currently insufficient to determine the role of this variant in disease. Therefore, it has been classified as a Variant of Uncertain Significance.

Literature cited by the submitters: PubMed 17576681; PubMed 9536098.